The following is an entry in ClinVar:

ClinVar aggregate classification (germline): Benign/Likely benign. Review status: criteria provided, multiple submitters, no conflicts (2 of 4 stars). 7 submissions from 6 submitters: Benign (4); Likely benign (3). Last evaluated 2026-01-28.

Conditions:
Autoinflammatory syndrome. Identifiers: Orphanet 93665, MedGen C3890737, MONDO:0019751.
Familial hemophagocytic lymphohistiocytosis 2 (FHL2). Also called: PRF1-Related Familial Hemophagocytic Lymphohistiocytosis (PRF1-fHLH). Identifiers: Orphanet 540, MedGen C1863727, MONDO:0011337, OMIM 603553.
Lymphoma, non-Hodgkin, familial. Identifiers: MedGen C4721532, MONDO:0011508, OMIM 605027.

Allele frequency attached by ClinVar (database versions not stated): ESP Exome Variant Server 0.00408; TOPMed 0.00417; 1000 Genomes Project 0.00419; 1000 Genomes Project 30x 0.00422; gnomAD exomes 0.00042 and 0.00101; ExAC 0.00117; gnomAD 0.00356 and 0.00389.
gnomAD v4.1: 1,181 of 1,614,190 alleles (0.073%); highest among the groups gnomAD compares: African/African-American, 1.3%; 4 homozygotes.

Submissions (7):

Labcorp Genetics (formerly Invitae), Labcorp
Classification: Benign for Familial hemophagocytic lymphohistiocytosis 2. Last evaluated: 2026-01-28. Review status: criteria provided, single submitter. Criteria: Invitae Variant Classification Sherloc (09022015). Collection method: clinical testing. Allele origin: germline.

KCCC/NGS Laboratory, Kuwait Cancer Control Center
Classification: Benign for Familial hemophagocytic lymphohistiocytosis 2. Last evaluated: 2025-02-01. Review status: criteria provided, single submitter. Criteria: ACMG Guidelines, 2015. Collection method: clinical testing. Allele origin: germline. Affected: no.

Blueprint Genetics
Classification: Likely benign. Last evaluated: 2024-09-23. Review status: criteria provided, single submitter. Criteria: ACMG Guidelines, 2015. Collection method: clinical testing. Allele origin: germline.

CeGaT Center for Human Genetics Tuebingen
Classification: Likely benign. Last evaluated: 2024-09-01. Review status: criteria provided, single submitter. Criteria: CeGaT Center For Human Genetics Tuebingen Variant Classification Criteria Version 2. Collection method: clinical testing. Allele origin: germline. Affected: yes. Observed: 1 variant allele.
Comment: PRF1: BP4, BP7, BS1

KCCC/NGS Laboratory, Kuwait Cancer Control Center
Classification: Benign for Lymphoma, non-Hodgkin, familial. Last evaluated: 2023-07-07. Review status: criteria provided, single submitter. Criteria: ACMG Guidelines, 2015. Collection method: clinical testing. Allele origin: germline. Affected: yes.

Genome Diagnostics Laboratory, The Hospital for Sick Children
Classification: Likely benign for Autoinflammatory syndrome. Last evaluated: 2020-07-01. Review status: criteria provided, single submitter. Criteria: ACMG Guidelines, 2015. Collection method: clinical testing. Allele origin: germline. Affected: yes.

Illumina Laboratory Services, Illumina
Classification: Benign for Familial hemophagocytic lymphohistiocytosis 2. Last evaluated: 2017-04-27. Review status: criteria provided, single submitter. Criteria: ICSL Variant Classification Criteria 13 December 2019. Collection method: clinical testing. Allele origin: germline.
Comment: This variant was observed as part of a predisposition screen in an ostensibly healthy population. A literature search was performed for the gene, cDNA change, and amino acid change (where applicable). Publications were found based on this search. The evidence from the literature, in combination with allele frequency data from public databases where available, was sufficient to rule this variant out of causing disease. Therefore, this variant is classified as benign.

Literature cited by the submitters: PubMed 16860143 (cited by Illumina Laboratory Services, Illumina).

NM_001083116.3(PRF1):c.444C>T (p.Ala148=)

Gene: PRF1 (perforin 1; minus strand). Cytogenetic location: 10q22.1.
Variant type: single nucleotide variant.
Coding change: c.444C>T on transcript NM_001083116.3 (MANE Select); coding-DNA position 444, C replaced by T.
Protein change: p.Ala148=; no amino-acid change (alanine 148 retained).
Molecular consequence: synonymous variant.
Genome position (GRCh38, 1-based): chr10:70,600,459, G>A on the plus strand (C>T on the coding strand, the complement: PRF1 is on the minus strand). VCF-style: chr10-70600459-G-A. GRCh37 (hg19) VCF-style: chr10-72360215-G-A.
Other names: c.444C>T, p.Ala148= (NM_005041.6); c.444C>T (NM_005041.4).
Identifiers: ClinVar variation 468304 (VCV000468304.35), dbSNP rs61737403, ClinGen allele CA5539033.